The following is an entry in ClinVar:

ClinVar aggregate classification (germline): Uncertain significance. Review status: criteria provided, multiple submitters, no conflicts (2 of 4 stars). 2 submissions from 2 submitters: Uncertain significance (2). Last evaluated 2025-11-26.

Conditions:
Cardiovascular phenotype. Identifiers: MedGen CN230736.
Hypertrophic cardiomyopathy. Also called: HYPERTROPHIC MYOCARDIOPATHY. Identifiers: Orphanet 217569, MedGen C0007194, MeSH D002312, MONDO:0005045, HP:0001639.

Submissions (2):

Ambry Genetics
Classification: Uncertain significance for Cardiovascular phenotype. Last evaluated: 2025-11-26. Review status: criteria provided, single submitter. Criteria: Ambry Variant Classification Scheme 2023. Collection method: clinical testing. Allele origin: germline.

Labcorp Genetics (formerly Invitae), Labcorp
Classification: Uncertain significance for Hypertrophic cardiomyopathy. Last evaluated: 2025-08-13. Review status: criteria provided, single submitter. Criteria: Invitae Variant Classification Sherloc (09022015). Collection method: clinical testing. Allele origin: germline.
Comment: This sequence change replaces proline, which is neutral and non-polar, with serine, which is neutral and polar, at codon 794 of the MYBPC3 protein (p.Pro794Ser). This variant is not present in population databases (gnomAD no frequency). This variant has not been reported in the literature in individuals affected with MYBPC3-related conditions. An algorithm developed to predict the effect of missense changes on protein structure and function (PolyPhen-2) suggests that this variant is likely to be disruptive. In summary, the available evidence is currently insufficient to determine the role of this variant in disease. Therefore, it has been classified as a Variant of Uncertain Significance.

NM_000256.3(MYBPC3):c.2380C>T (p.Pro794Ser)

Gene: MYBPC3 (myosin binding protein C3; minus strand). Cytogenetic location: 11p11.2.
Variant type: single nucleotide variant.
Coding change: c.2380C>T on transcript NM_000256.3 (MANE Select); coding-DNA position 2380, C replaced by T.
Protein change: p.Pro794Ser; replaces proline 794 with serine.
Molecular consequence: missense variant.
Genome position (GRCh38, 1-based): chr11:47,337,723, G>A on the plus strand (C>T on the coding strand, the complement: MYBPC3 is on the minus strand). VCF-style: chr11-47337723-G-A. GRCh37 (hg19) VCF-style: chr11-47359274-G-A.
Other names: short protein forms P794S.
Identifiers: ClinVar variation 4614591 (VCV004614591.2).
Genomic context (GRCh38, chr11:47,337,723, plus strand): 5'-ACCTCCATCCGGTGCCCTTGCACTCACCCAGGATGGGCTGCCCGCCATCGTAGGCAGGCG[G>A]CTCCCACTGTACTGTGCAGGAGTCCTCTCCCACGTTGCTGATCTTGGGGGCCGCAGGTGC-3'
Protein context (NP_000247.2, residues 784-804): GEDSCTVQWE[Pro794Ser]PAYDGGQPIL